The following is an entry in ClinVar:

NM_000393.5(COL5A2):c.2947C>T (p.Pro983Ser)

Gene: COL5A2 (collagen type V alpha 2 chain; minus strand). Cytogenetic location: 2q32.2.
Variant type: single nucleotide variant.
Coding change: c.2947C>T on transcript NM_000393.5 (MANE Select); coding-DNA position 2947, C replaced by T.
Protein change: p.Pro983Ser; replaces proline 983 with serine.
Molecular consequence: missense variant.
Genome position (GRCh38, 1-based): chr2:189,050,661, G>A on the plus strand (C>T on the coding strand, the complement: COL5A2 is on the minus strand). VCF-style: chr2-189050661-G-A. GRCh37 (hg19) VCF-style: chr2-189915387-G-A.
Other names: p.P983S:CCT>TCT; c.2947C>T (NM_000393.4); short protein forms P983S.
Identifiers: ClinVar variation 213152 (VCV000213152.19), dbSNP rs141644853, ClinGen allele CA324357.

ClinVar aggregate classification (germline): Likely benign. Review status: criteria provided, multiple submitters, no conflicts (2 of 4 stars). 5 submissions from 5 submitters: Likely benign (4). 1 of the submissions does not count toward it. Last evaluated 2026-01-18.

Conditions:
Ehlers-Danlos syndrome, classic type, 1 (EDSCL1). Also called: Ehlers-Danlos Syndrome, Classic Type, COL5A1-Related; EHLERS-DANLOS SYNDROME, GRAVIS TYPE; EHLERS-DANLOS SYNDROME, SEVERE CLASSIC TYPE; Ehlers-Danlos syndrome, type 1; EDS I. Identifiers: MedGen C0268335, MONDO:0019567, OMIM 130000.
COL5A2-related disorder. Also called: COL5A2-related condition.
Familial thoracic aortic aneurysm and aortic dissection (TAAD). Also called: Thoracic aortic aneurysms and dissections. Identifiers: Orphanet 91387, MedGen C4707243, MONDO:0019625.

Allele frequency attached by ClinVar (database versions not stated): gnomAD exomes 0.00009 and 0.00005; 1000 Genomes Project 0.00020; 1000 Genomes Project 30x 0.00016; TOPMed 0.00045; gnomAD 0.00051 and 0.00043; ExAC 0.00019; ESP Exome Variant Server 0.00040.
gnomAD v4.1: 131 of 1,552,118 alleles (0.0084%); highest among the groups gnomAD compares: African/African-American, 0.16%; no homozygotes.

Submissions (5):

Labcorp Genetics (formerly Invitae), Labcorp
Classification: Likely benign for Ehlers-Danlos syndrome, classic type, 1. Last evaluated: 2026-01-18. Review status: criteria provided, single submitter. Criteria: Invitae Variant Classification Sherloc (09022015). Collection method: clinical testing. Allele origin: germline.

GeneDx
Classification: Likely benign. Last evaluated: 2024-08-16. Review status: criteria provided, single submitter. Criteria: GeneDx Variant Classification Process June 2021. Collection method: clinical testing. Allele origin: germline. Affected: yes.
Comment: Has not been previously published as pathogenic or benign to our knowledge; In silico analysis supports that this missense variant has a deleterious effect on protein structure/function

Women's Health and Genetics/Laboratory Corporation of America, LabCorp
Classification: Likely benign. Last evaluated: 2023-08-24. Review status: criteria provided, single submitter. Criteria: LabCorp Variant Classification Summary - May 2015. Collection method: clinical testing. Allele origin: germline.

Ambry Genetics
Classification: Likely benign for Familial thoracic aortic aneurysm and aortic dissection. Last evaluated: 2018-06-11. Review status: criteria provided, single submitter. Criteria: Ambry Variant Classification Scheme 2023. Collection method: clinical testing. Allele origin: germline.

PreventionGenetics, part of Exact Sciences
Classification: Likely benign for COL5A2-related condition. Last evaluated: 2024-09-15. Review status: no assertion criteria provided. Collection method: clinical testing. Allele origin: germline. Not counted in ClinVar's aggregate classification.
Comment: This variant is classified as likely benign based on ACMG/AMP sequence variant interpretation guidelines (Richards et al. 2015 PMID: 25741868, with internal and published modifications).